The following is an entry in ClinVar:

ClinVar aggregate classification (germline): Uncertain significance (1 of 4 stars; one submission).

Conditions:
Long QT syndrome (LQTS). Identifiers: MedGen C0023976, MeSH D008133, MONDO:0002442. Disease mechanism: loss of function. Inheritance: Various modes of inheritance.

Submission:

Labcorp Genetics (formerly Invitae), Labcorp
Classification: Uncertain significance for Long QT syndrome. Last evaluated: 2025-11-01. Review status: criteria provided, single submitter. Criteria: Invitae Variant Classification Sherloc (09022015). Collection method: clinical testing. Allele origin: germline.
Comment: This sequence change replaces glycine, which is neutral and non-polar, with aspartic acid, which is acidic and polar, at codon 13 of the AKAP9 protein (p.Gly13Asp). This variant is present in population databases (rs746429866, gnomAD 0.009%). This variant has not been reported in the literature in individuals affected with AKAP9-related conditions. ClinVar contains an entry for this variant (Variation ID: 3614181). An algorithm developed to predict the effect of missense changes on protein structure and function (PolyPhen-2) suggests that this variant is likely to be disruptive. In summary, the available evidence is currently insufficient to determine the role of this variant in disease. Therefore, it has been classified as a Variant of Uncertain Significance.

NM_005751.5(AKAP9):c.38G>A (p.Gly13Asp)

Genes: AKAP9 (A-kinase anchoring protein 9; plus strand), LOC129998788 (ATAC-STARR-seq lymphoblastoid active region 26256; plus strand). Cytogenetic location: 7q21.2.
Variant type: single nucleotide variant.
Coding change: c.38G>A on transcript NM_005751.5 (MANE Select); coding-DNA position 38, G replaced by A.
Protein change: p.Gly13Asp; replaces glycine 13 with aspartic acid.
Molecular consequence: missense variant.
Genome position (GRCh38, 1-based): chr7:91,941,137, G>A. VCF-style: chr7-91941137-G-A. GRCh37 (hg19) VCF-style: chr7-91570451-G-A.
Other names: c.38G>A, p.Gly13Asp (NM_147185.3); short protein forms G13D.
Identifiers: ClinVar variation 3614181 (VCV003614181.2).
Genomic context (GRCh38, chr7:91,941,137, plus strand): 5'-CCCCTGCCTTCCTTGCAGAGGCCATGGAGGACGAGGAGAGACAGAAGAAGCTGGAGGCCG[G>A]CAAAGCCAAGGTAGGAGAGCCCGAGGCAACCGGGCCTGCGGTGGGAGGCGGTGGCTAGCA-3'
Protein context (NP_005742.4, residues 3-23): DEERQKKLEA[Gly13Asp]KAKLAQFRQR